The following is an entry in ClinVar:

NM_004958.4(MTOR):c.2150G>A (p.Arg717Gln)

Gene: MTOR (mechanistic target of rapamycin kinase; minus strand). Cytogenetic location: 1p36.22.
Variant type: single nucleotide variant.
Coding change: c.2150G>A on transcript NM_004958.4 (MANE Select); coding-DNA position 2150, G replaced by A.
Protein change: p.Arg717Gln; replaces arginine 717 with glutamine.
Molecular consequence: missense variant.
Genome position (GRCh38, 1-based): chr1:11,237,901, C>T on the plus strand (G>A on the coding strand, the complement: MTOR is on the minus strand). VCF-style: chr1-11237901-C-T. GRCh37 (hg19) VCF-style: chr1-11297958-C-T.
Other names: c.2150G>A, p.Arg717Gln (NM_001386500.1); c.902G>A, p.Arg301Gln (NM_001386501.1); short protein forms R717Q, R301Q.
Identifiers: ClinVar variation 2196508 (VCV002196508.4), dbSNP rs566273004, ClinGen allele CA590564.

ClinVar aggregate classification (germline): Uncertain significance (1 of 4 stars; one submission).

Allele frequency attached by ClinVar (database versions not stated): gnomAD exomes below 0.00001; ExAC 0.00001; gnomAD 0.00003; 1000 Genomes Project 0.00020; 1000 Genomes Project 30x 0.00031.
gnomAD v4.1: 6 of 1,614,116 alleles (0.00037%); highest among the groups gnomAD compares: East Asian, 0.0045%; no homozygotes.

Submission:

Labcorp Genetics (formerly Invitae), Labcorp
Classification: Uncertain significance. Last evaluated: 2025-01-28. Review status: criteria provided, single submitter. Criteria: Invitae Variant Classification Sherloc (09022015). Collection method: clinical testing. Allele origin: germline.
Comment: This sequence change replaces arginine, which is basic and polar, with glutamine, which is neutral and polar, at codon 717 of the MTOR protein (p.Arg717Gln). This variant is present in population databases (rs566273004, gnomAD 0.01%). This variant has not been reported in the literature in individuals affected with MTOR-related conditions. ClinVar contains an entry for this variant (Variation ID: 2196508). Invitae Evidence Modeling of protein sequence and biophysical properties (such as structural, functional, and spatial information, amino acid conservation, physicochemical variation, residue mobility, and thermodynamic stability) indicates that this missense variant is not expected to disrupt MTOR protein function with a negative predictive value of 95%. In summary, the available evidence is currently insufficient to determine the role of this variant in disease. Therefore, it has been classified as a Variant of Uncertain Significance.